The following is an entry in ClinVar:

NM_004525.3(LRP2):c.10942A>G (p.Ile3648Val)

Gene: LRP2 (LDL receptor related protein 2; minus strand). Cytogenetic location: 2q31.1.
Variant type: single nucleotide variant.
Coding change: c.10942A>G on transcript NM_004525.3 (MANE Select); coding-DNA position 10942, A replaced by G.
Protein change: p.Ile3648Val; replaces isoleucine 3648 with valine.
Molecular consequence: missense variant.
Genome position (GRCh38, 1-based): chr2:169,173,991, T>C on the plus strand (A>G on the coding strand, the complement: LRP2 is on the minus strand). VCF-style: chr2-169173991-T-C. GRCh37 (hg19) VCF-style: chr2-170030501-T-C.
Other names: short protein forms I3648V.
Identifiers: ClinVar variation 1923602 (VCV001923602.2), dbSNP rs1347839947, ClinGen allele CA349144581.

ClinVar aggregate classification (germline): Uncertain significance (1 of 4 stars; one submission).

Allele frequency attached by ClinVar (database versions not stated): gnomAD exomes below 0.00001.
gnomAD v4.1: 2 of 1,614,230 alleles (0.00012%); highest among the groups gnomAD compares: Non-Finnish European, 0.00017%; no homozygotes.

Submission:

Labcorp Genetics (formerly Invitae), Labcorp
Classification: Uncertain significance. Last evaluated: 2022-01-26. Review status: criteria provided, single submitter. Criteria: Invitae Variant Classification Sherloc (09022015). Collection method: clinical testing. Allele origin: germline.
Comment: This sequence change replaces isoleucine, which is neutral and non-polar, with valine, which is neutral and non-polar, at codon 3648 of the LRP2 protein (p.Ile3648Val). This variant is not present in population databases (gnomAD no frequency). This variant has not been reported in the literature in individuals affected with LRP2-related conditions. Advanced modeling of protein sequence and biophysical properties (such as structural, functional, and spatial information, amino acid conservation, physicochemical variation, residue mobility, and thermodynamic stability) performed at Invitae indicates that this missense variant is expected to disrupt LRP2 protein function. In summary, the available evidence is currently insufficient to determine the role of this variant in disease. Therefore, it has been classified as a Variant of Uncertain Significance.